The following is an entry in ClinVar:

ClinVar aggregate classification (germline): Conflicting classifications of pathogenicity. Review status: criteria provided, conflicting classifications (1 of 4 stars). 2 submissions from 2 submitters: Likely pathogenic (1); Uncertain significance (1). Last evaluated 2024-02-22.

Conditions:
Surfactant metabolism dysfunction, pulmonary, 1. Also called: INTERSTITIAL LUNG DISEASE DUE TO SURFACTANT PROTEIN B DEFICIENCY; INTERSTITIAL LUNG DISEASE, NONSPECIFIC, DUE TO SURFACTANT PROTEIN B DEFICIENCY; PULMONARY ALVEOLAR PROTEINOSIS, CONGENITAL, 1; Pulmonary surfactant protein B, deficiency of; Neonatal acute respiratory distress due to SP-B deficiency. Identifiers: Orphanet 217563, MedGen C1968602, MONDO:0009929, OMIM 265120.

Submissions (2):

Johns Hopkins Genomics, Johns Hopkins University
Classification: Uncertain significance for Surfactant metabolism dysfunction, pulmonary, 1. Last evaluated: 2024-02-22. Review status: criteria provided, single submitter. Criteria: ACMG Guidelines, 2015. Collection method: clinical testing. Allele origin: germline.
Comment: This SFTPB in-frame duplication variant has been reported in the literature in individuals affected with hereditary surfactant B protein deficiency. It (rs781302871) is rare (<0.1%) in a large population dataset (gnomAD v4.0.0: 5/1603288 total alleles; 0.0003%; no homozygotes), and has not been reported in ClinVar. The amino acids surrounding residue 344 in exon 10 are evolutionarily well conserved across many of the species assessed. We consider the clinical significance of c.1029_1031dup in SFTPB to be uncertain at this time.

GeneDx
Classification: Likely pathogenic. Last evaluated: 2024-02-21. Review status: criteria provided, single submitter. Criteria: GeneDx Variant Classification Process June 2021. Collection method: clinical testing. Allele origin: germline. Affected: yes.
Comment: In-frame insertion of 1 amino acid in a non-repeat region; Not observed at significant frequency in large population cohorts (gnomAD); This variant is associated with the following publications: (PMID: 10712351, Amin2021[abstract])

Literature cited by the submitters: PubMed 10712351 (cited by Johns Hopkins Genomics, Johns Hopkins University).

NM_000542.5(SFTPB):c.1029_1031dup (p.Pro344_Gln345insPro)

Gene: SFTPB (surfactant protein B; minus strand). Cytogenetic location: 2p11.2.
Variant type: Duplication.
Coding change: c.1029_1031dup on transcript NM_000542.5 (MANE Select); coding-DNA positions 1029 to 1031, 3 bases duplicated (GCC; older notation c.1029_1031dupGCC).
Protein change: p.Pro344_Gln345insPro.
Molecular consequence: inframe insertion. On other transcripts: inframe indel (1), intron variant (1).
Genome position (GRCh38, 1-based): chr2:85,662,081-85,662,083, GGC duplicated on the plus strand (GCC on the coding strand, the reverse complement: SFTPB is on the minus strand); duplicating any 3 consecutive bases within chr2:85,662,081-85,662,084 gives the same sequence; the c. name uses the placement nearest the transcript's 3' end. VCF-style (leftmost placement, unchanged base first): chr2-85662080-G-GGGC. GRCh37 (hg19) VCF-style: chr2-85889203-G-GGGC.
Other names: c.1028_1030dup, p.Pro344_Gln345insPro (NM_198843.4); c.1002+1263_1002+1265dup (NM_001367281.1).
Identifiers: ClinVar variation 3340715 (VCV003340715.2).
Genomic context (GRCh38, chr2:85,662,080, plus strand): 5'-TGGGTGTACCTGGCAGGTGGTGTGGGCATCCCAGCCCCTGGGCACCAGGGTCAGCAGCTG[G>GGGC]GGCGTGTGCTGCTCCACAAATTGCTTGCACTGAGGAAGGAGACACACAGCTGTGGAGGGT-3'